The following is an entry in ClinVar:

NM_024741.3(ZNF408):c.35A>G (p.Lys12Arg)

Genes: ZNF408 (zinc finger protein 408; plus strand), LOC130005659 (ATAC-STARR-seq lymphoblastoid active region 4684; plus strand). Cytogenetic location: 11p11.2.
Variant type: single nucleotide variant.
Coding change: c.35A>G on transcript NM_024741.3 (MANE Select); coding-DNA position 35, A replaced by G.
Protein change: p.Lys12Arg; replaces lysine 12 with arginine.
Molecular consequence: missense variant. On other transcripts: 5 prime UTR variant (1).
Genome position (GRCh38, 1-based): chr11:46,701,082, A>G. VCF-style: chr11-46701082-A-G. GRCh37 (hg19) VCF-style: chr11-46722632-A-G.
Other names: c.-32A>G (NM_001184751.2); c.35A>G (NM_024741.2); short protein forms K12R.
Identifiers: ClinVar variation 1116789 (VCV001116789.11), dbSNP rs144460540, ClinGen allele CA5966179.

ClinVar aggregate classification (germline): Likely benign. Review status: criteria provided, multiple submitters, no conflicts (2 of 4 stars). 3 submissions from 3 submitters: Likely benign (2). 1 of the submissions does not count toward it. Last evaluated 2026-01-04.

Conditions:
ZNF408-related disorder. Also called: ZNF408-related condition.

Allele frequency attached by ClinVar (database versions not stated): gnomAD exomes 0.00006 and 0.00021; ExAC 0.00025; ESP Exome Variant Server 0.00046; gnomAD 0.00057 and 0.00061; 1000 Genomes Project 30x 0.00062; TOPMed 0.00065; 1000 Genomes Project 0.00080.

Submissions (3):

Labcorp Genetics (formerly Invitae), Labcorp
Classification: Likely benign. Last evaluated: 2026-01-04. Review status: criteria provided, single submitter. Criteria: Invitae Variant Classification Sherloc (09022015). Collection method: clinical testing. Allele origin: germline.

Blueprint Genetics
Classification: Likely benign. Last evaluated: 2024-10-22. Review status: criteria provided, single submitter. Criteria: ACMG Guidelines, 2015. Collection method: clinical testing. Allele origin: germline.

PreventionGenetics, part of Exact Sciences
Classification: Likely benign for ZNF408-related condition. Last evaluated: 2024-08-19. Review status: no assertion criteria provided. Collection method: clinical testing. Allele origin: germline. Not counted in ClinVar's aggregate classification.
Comment: This variant is classified as likely benign based on ACMG/AMP sequence variant interpretation guidelines (Richards et al. 2015 PMID: 25741868, with internal and published modifications).